The following is an entry in ClinVar:

ClinVar aggregate classification (germline): Conflicting classifications of pathogenicity. Review status: criteria provided, conflicting classifications (1 of 4 stars). 7 submissions from 7 submitters: Uncertain significance (6); Likely benign (1). Last evaluated 2026-04-01.

Conditions:
Cardiomyopathy (CMYO). Also called: Cardiomyopathies. Identifiers: Orphanet 167848, MedGen C0878544, MONDO:0004994, HP:0001638. Inheritance: Various modes of inheritance.
Dilated cardiomyopathy 1G (CMD1G). Identifiers: Orphanet 154, MedGen C1858763, MONDO:0011400, OMIM 604145.
Autosomal recessive limb-girdle muscular dystrophy type 2J (LGMDR10). Also called: Limb-girdle muscular dystrophy, type 2J; MUSCULAR DYSTROPHY, LIMB-GIRDLE, AUTOSOMAL RECESSIVE 10. Identifiers: Orphanet 140922, MedGen C1837342, MONDO:0012127, OMIM 608807.

Allele frequency attached by ClinVar (database versions not stated): gnomAD 0.00001; gnomAD exomes 0.00001; TOPMed 0.00001; ExAC 0.00002.
gnomAD v4.1: 15 of 1,572,456 alleles (0.00095%); highest among the groups gnomAD compares: Middle Eastern, 0.017%; no homozygotes.

Submissions (7):

CeGaT Center for Human Genetics Tuebingen
Classification: Uncertain significance. Last evaluated: 2026-04-01. Review status: criteria provided, single submitter. Criteria: CeGaT Center For Human Genetics Tuebingen Variant Classification Criteria Version 2. Collection method: clinical testing. Allele origin: germline. Affected: yes. Observed: 1 variant allele.

Molecular Diagnostic Laboratory for Inherited Cardiovascular Disease, Montreal Heart Institute
Classification: Likely benign. Last evaluated: 2025-04-09. Review status: criteria provided, single submitter. Criteria: ACMG Guidelines, 2015. Collection method: clinical testing. Allele origin: germline. Affected: no.

Revvity Omics, Revvity
Classification: Uncertain significance. Last evaluated: 2024-05-14. Review status: criteria provided, single submitter. Criteria: ACMG Guidelines, 2015. Collection method: clinical testing. Allele origin: germline.

Women's Health and Genetics/Laboratory Corporation of America, LabCorp
Classification: Uncertain significance. Last evaluated: 2023-07-30. Review status: criteria provided, single submitter. Criteria: LabCorp Variant Classification Summary - May 2015. Collection method: clinical testing. Allele origin: germline.

CHEO Genetics Diagnostic Laboratory, Children's Hospital of Eastern Ontario
Classification: Uncertain significance for Cardiomyopathy. Last evaluated: 2021-10-25. Review status: criteria provided, single submitter. Criteria: ACMG Guidelines, 2015. Collection method: clinical testing. Allele origin: germline.

GeneDx
Classification: Uncertain significance. Last evaluated: 2021-04-02. Review status: criteria provided, single submitter. Criteria: GeneDx Variant Classification Process June 2021. Collection method: clinical testing. Allele origin: germline. Affected: yes.
Comment: Not observed at a significant frequency in large population cohorts (Lek et al., 2016); Missense variant in a gene in which most reported pathogenic variants are truncating/loss-of-function; Has not been previously published as pathogenic or benign to our knowledge

Labcorp Genetics (formerly Invitae), Labcorp
Classification: Uncertain significance for Dilated cardiomyopathy 1G; Autosomal recessive limb-girdle muscular dystrophy type 2J. Last evaluated: 2017-10-19. Review status: criteria provided, single submitter. Criteria: Invitae Variant Classification Sherloc (09022015). Collection method: clinical testing. Allele origin: germline.

NM_001267550.2(TTN):c.69815T>G (p.Ile23272Ser)

Genes: TTN-AS1 (TTN antisense RNA 1; plus strand), TTN (titin; minus strand), LOC126806422 (BRD4-independent group 4 enhancer GRCh37_chr2:179440205-179441404; plus strand). Cytogenetic location: 2q31.2.
Variant type: single nucleotide variant.
Coding change: c.69815T>G on transcript NM_001267550.2 (MANE Select); coding-DNA position 69815, T replaced by G.
Protein change: p.Ile23272Ser; replaces isoleucine 23272 with serine.
Molecular consequence: missense variant.
Genome position (GRCh38, 1-based): chr2:178,576,317, A>C on the plus strand (T>G on the coding strand, the complement: TTN is on the minus strand). VCF-style: chr2-178576317-A-C. GRCh37 (hg19) VCF-style: chr2-179441044-A-C.
Other names: c.64892T>G, p.Ile21631Ser (NM_001256850.1); c.42620T>G, p.Ile14207Ser (NM_003319.4); c.62111T>G, p.Ile20704Ser (NM_133378.4); c.42995T>G, p.Ile14332Ser (NM_133432.3); c.43196T>G, p.Ile14399Ser (NM_133437.4); short protein forms I23272S, I21631S, I14207S, I14332S, I14399S, I20704S.
Identifiers: ClinVar variation 535498 (VCV000535498.15), dbSNP rs758398301, ClinGen allele CA1990873.